The following is an entry in ClinVar:

NM_000156.6(GAMT):c.37G>T (p.Gly13Cys)

Genes: GAMT (guanidinoacetate N-methyltransferase; minus strand), LOC130062945 (ATAC-STARR-seq lymphoblastoid silent region 9707; plus strand). Cytogenetic location: 19p13.3.
Variant type: single nucleotide variant.
Coding change: c.37G>T on transcript NM_000156.6 (MANE Select); coding-DNA position 37, G replaced by T.
Protein change: p.Gly13Cys; replaces glycine 13 with cysteine.
Molecular consequence: missense variant.
Genome position (GRCh38, 1-based): chr19:1,401,440, C>A on the plus strand (G>T on the coding strand, the complement: GAMT is on the minus strand). VCF-style: chr19-1401440-C-A. GRCh37 (hg19) VCF-style: chr19-1401439-C-A.
Other names: c.37G>T, p.Gly13Cys (NM_138924.3); short protein forms G13C.
Identifiers: ClinVar variation 2097428 (VCV002097428.4), dbSNP rs2082633651, ClinGen allele CA402998401.

ClinVar aggregate classification (germline): Uncertain significance (1 of 4 stars; one submission).

Conditions:
Cerebral creatine deficiency syndrome. Also called: Creatine deficiency syndromes. Identifiers: Orphanet 79172, MedGen C5244016, MONDO:0000456.

gnomAD v4.1: 2 of 1,410,790 alleles (0.00014%); highest among the groups gnomAD compares: Non-Finnish European, 0.00018%; no homozygotes.

Submission:

Labcorp Genetics (formerly Invitae), Labcorp
Classification: Uncertain significance for Cerebral creatine deficiency syndrome. Last evaluated: 2022-04-28. Review status: criteria provided, single submitter. Criteria: Invitae Variant Classification Sherloc (09022015). Collection method: clinical testing. Allele origin: germline.
Comment: In summary, the available evidence is currently insufficient to determine the role of this variant in disease. Therefore, it has been classified as a Variant of Uncertain Significance. Algorithms developed to predict the effect of missense changes on protein structure and function are either unavailable or do not agree on the potential impact of this missense change (SIFT: "Deleterious"; PolyPhen-2: "Probably Damaging"; Align-GVGD: "Class C0"). This variant has not been reported in the literature in individuals affected with GAMT-related conditions. This variant is not present in population databases (gnomAD no frequency). This sequence change replaces glycine, which is neutral and non-polar, with cysteine, which is neutral and slightly polar, at codon 13 of the GAMT protein (p.Gly13Cys).